The following is an entry in ClinVar:

NM_001369369.1(FOXN1):c.1138G>A (p.Glu380Lys)

Gene: FOXN1 (forkhead box N1; plus strand). Cytogenetic location: 17q11.2.
Variant type: single nucleotide variant.
Coding change: c.1138G>A on transcript NM_001369369.1 (MANE Select); coding-DNA position 1138, G replaced by A.
Protein change: p.Glu380Lys; replaces glutamic acid 380 with lysine.
Molecular consequence: missense variant.
Genome position (GRCh38, 1-based): chr17:28,534,709, G>A. VCF-style: chr17-28534709-G-A. GRCh37 (hg19) VCF-style: chr17-26861727-G-A.
Other names: c.1138G>A, p.Glu380Lys (NM_003593.3); short protein forms E380K.
Identifiers: ClinVar variation 1993481 (VCV001993481.4), dbSNP rs2508426502, ClinGen allele CA398325222.

ClinVar aggregate classification (germline): Uncertain significance (1 of 4 stars; one submission).

Conditions:
T-cell immunodeficiency, congenital alopecia, and nail dystrophy. Also called: Congenital alopecia and nail dystrophy associated with severe functional T-cell immunodeficiency; Pignata Guarino syndrome. Identifiers: Orphanet 169095, MedGen C1866426, MONDO:0011132, OMIM 601705.

Submission:

Labcorp Genetics (formerly Invitae), Labcorp
Classification: Uncertain significance for T-cell immunodeficiency, congenital alopecia, and nail dystrophy. Last evaluated: 2023-10-03. Review status: criteria provided, single submitter. Criteria: Invitae Variant Classification Sherloc (09022015). Collection method: clinical testing. Allele origin: germline.
Comment: This sequence change replaces glutamic acid, which is acidic and polar, with lysine, which is basic and polar, at codon 380 of the FOXN1 protein (p.Glu380Lys). This variant is not present in population databases (gnomAD no frequency). This variant has not been reported in the literature in individuals affected with FOXN1-related conditions. ClinVar contains an entry for this variant (Variation ID: 1993481). An algorithm developed to predict the effect of missense changes on protein structure and function (PolyPhen-2) suggests that this variant is likely to be disruptive. Algorithms developed to predict the effect of sequence changes on RNA splicing suggest that this variant may disrupt the consensus splice site. In summary, the available evidence is currently insufficient to determine the role of this variant in disease. Therefore, it has been classified as a Variant of Uncertain Significance.